The following is an entry in ClinVar:

NM_006431.3(CCT2):c.1565A>G (p.Lys522Arg)

Gene: CCT2 (chaperonin containing TCP1 subunit 2; plus strand). Cytogenetic location: 12q15.
Variant type: single nucleotide variant.
Coding change: c.1565A>G on transcript NM_006431.3 (MANE Select); coding-DNA position 1565, A replaced by G.
Protein change: p.Lys522Arg; replaces lysine 522 with arginine.
Molecular consequence: missense variant.
Genome position (GRCh38, 1-based): chr12:69,599,992, A>G. VCF-style: chr12-69599992-A-G. GRCh37 (hg19) VCF-style: chr12-69993772-A-G.
Other names: c.1424A>G, p.Lys475Arg (NM_001198842.2); short protein forms K522R, K475R.
Identifiers: ClinVar variation 1440572 (VCV001440572.6), dbSNP rs1367999869, ClinGen allele CA385732180.

ClinVar aggregate classification (germline): Uncertain significance (1 of 4 stars; one submission).

Allele frequency attached by ClinVar (database versions not stated): gnomAD exomes below 0.00001.
gnomAD v4.1: 9 of 1,611,732 alleles (0.00056%); highest among the groups gnomAD compares: Admixed American, 0.0034%; no homozygotes.

Submission:

Labcorp Genetics (formerly Invitae), Labcorp
Classification: Uncertain significance. Last evaluated: 2022-10-13. Review status: criteria provided, single submitter. Criteria: Invitae Variant Classification Sherloc (09022015). Collection method: clinical testing. Allele origin: germline.
Comment: In summary, the available evidence is currently insufficient to determine the role of this variant in disease. Therefore, it has been classified as a Variant of Uncertain Significance. Algorithms developed to predict the effect of missense changes on protein structure and function (SIFT, PolyPhen-2, Align-GVGD) all suggest that this variant is likely to be tolerated. ClinVar contains an entry for this variant (Variation ID: 1440572). This variant has not been reported in the literature in individuals affected with CCT2-related conditions. This variant is present in population databases (no rsID available, gnomAD 0.003%). This sequence change replaces lysine, which is basic and polar, with arginine, which is basic and polar, at codon 522 of the CCT2 protein (p.Lys522Arg).